The following is an entry in ClinVar:

NM_001563.4(IMPG1):c.951C>A (p.Ser317Arg)

Gene: IMPG1 (interphotoreceptor matrix proteoglycan 1; minus strand). Cytogenetic location: 6q14.1.
Variant type: single nucleotide variant.
Coding change: c.951C>A on transcript NM_001563.4 (MANE Select); coding-DNA position 951, C replaced by A.
Protein change: p.Ser317Arg; replaces serine 317 with arginine.
Molecular consequence: missense variant.
Genome position (GRCh38, 1-based): chr6:76,005,471, G>T on the plus strand (C>A on the coding strand, the complement: IMPG1 is on the minus strand). VCF-style: chr6-76005471-G-T. GRCh37 (hg19) VCF-style: chr6-76715188-G-T.
Other names: c.717C>A, p.Ser239Arg (NM_001282368.2); short protein forms S239R, S317R.
Identifiers: ClinVar variation 4712042 (VCV004712042.1).

ClinVar aggregate classification (germline): Uncertain significance (1 of 4 stars; one submission).

gnomAD v4.1: 1 of 1,613,524 alleles (0.000062%); highest among the groups gnomAD compares: African/African-American, 0.0013%; no homozygotes.

Submission:

Labcorp Genetics (formerly Invitae), Labcorp
Classification: Uncertain significance. Last evaluated: 2025-02-06. Review status: criteria provided, single submitter. Criteria: Invitae Variant Classification Sherloc (09022015). Collection method: clinical testing. Allele origin: germline.
Comment: This sequence change replaces serine, which is neutral and polar, with arginine, which is basic and polar, at codon 317 of the IMPG1 protein (p.Ser317Arg). This variant is not present in population databases (gnomAD no frequency). This variant has not been reported in the literature in individuals affected with IMPG1-related conditions. An algorithm developed to predict the effect of missense changes on protein structure and function outputs the following: PolyPhen-2: "Benign". The arginine amino acid residue is found in multiple mammalian species, which suggests that this missense change does not adversely affect protein function. In summary, the available evidence is currently insufficient to determine the role of this variant in disease. Therefore, it has been classified as a Variant of Uncertain Significance.